The following is an entry in ClinVar:

NM_206926.2(SELENON):c.1490A>G (p.Asn497Ser)

Gene: SELENON (selenoprotein N; plus strand). Cytogenetic location: 1p36.11.
Variant type: single nucleotide variant.
Coding change: c.1490A>G on transcript NM_206926.2 (MANE Select); coding-DNA position 1490, A replaced by G.
Protein change: p.Asn497Ser; replaces asparagine 497 with serine.
Molecular consequence: missense variant.
Genome position (GRCh38, 1-based): chr1:25,814,168, A>G. VCF-style: chr1-25814168-A-G. GRCh37 (hg19) VCF-style: chr1-26140659-A-G.
Other names: c.1592A>G, p.Asn531Ser (NM_020451.3); c.1592A>G (NM_020451.2); short protein forms N497S, N531S.
Identifiers: ClinVar variation 1042074 (VCV001042074.8), dbSNP rs546041571, ClinGen allele CA696924.

ClinVar aggregate classification (germline): Uncertain significance. Review status: criteria provided, multiple submitters, no conflicts (2 of 4 stars). 3 submissions from 3 submitters: Uncertain significance (3). Last evaluated 2024-01-30.

Conditions:
Eichsfeld type congenital muscular dystrophy (CMYO3). Also called: Rigid spine muscular dystrophy 1; MYOPATHY, SEPN1-RELATED; SELENON-related myopathy; Congenital myopathy 3 with rigid spine. Identifiers: MedGen C0410180, MONDO:0100100, OMIM 602771.
Inborn genetic diseases. Identifiers: MedGen C0950123, MeSH D030342.

Allele frequency attached by ClinVar (database versions not stated): TOPMed 0.00002; gnomAD 0.00003 and 0.00007; gnomAD exomes 0.00006 and 0.00014; ExAC 0.00014; 1000 Genomes Project 30x 0.00016; 1000 Genomes Project 0.00020.
gnomAD v4.1: 92 of 1,613,568 alleles (0.0057%); highest among the groups gnomAD compares: South Asian, 0.068%; 1 homozygote.

Submissions (3):

Ambry Genetics
Classification: Uncertain significance for Inborn genetic diseases. Last evaluated: 2024-01-30. Review status: criteria provided, single submitter. Criteria: Ambry Variant Classification Scheme 2023. Collection method: clinical testing. Allele origin: germline.

Revvity Omics, Revvity
Classification: Uncertain significance for Eichsfeld type congenital muscular dystrophy. Last evaluated: 2023-09-18. Review status: criteria provided, single submitter. Criteria: ACMG Guidelines, 2015. Collection method: clinical testing. Allele origin: germline.

Labcorp Genetics (formerly Invitae), Labcorp
Classification: Uncertain significance for Eichsfeld type congenital muscular dystrophy. Last evaluated: 2022-05-29. Review status: criteria provided, single submitter. Criteria: Invitae Variant Classification Sherloc (09022015). Collection method: clinical testing. Allele origin: germline.
Comment: This sequence change replaces asparagine, which is neutral and polar, with serine, which is neutral and polar, at codon 531 of the SELENON protein (p.Asn531Ser). This variant is present in population databases (rs546041571, gnomAD 0.08%). This variant has not been reported in the literature in individuals affected with SELENON-related conditions. ClinVar contains an entry for this variant (Variation ID: 1042074). Algorithms developed to predict the effect of missense changes on protein structure and function are either unavailable or do not agree on the potential impact of this missense change (SIFT: "Deleterious"; PolyPhen-2: "Probably Damaging"; Align-GVGD: "Class C0"). Algorithms developed to predict the effect of sequence changes on RNA splicing suggest that this variant may create or strengthen a splice site. In summary, the available evidence is currently insufficient to determine the role of this variant in disease. Therefore, it has been classified as a Variant of Uncertain Significance.